The following is an entry in ClinVar:

ClinVar aggregate classification (germline): Conflicting classifications of pathogenicity. Review status: criteria provided, conflicting classifications (1 of 4 stars). 6 submissions from 6 submitters: Uncertain significance (3); Likely benign (3). Last evaluated 2026-01-16.

Conditions:
Ehlers-Danlos syndrome, classic type, 1 (EDSCL1). Also called: EHLERS-DANLOS SYNDROME, GRAVIS TYPE; EHLERS-DANLOS SYNDROME, SEVERE CLASSIC TYPE; Ehlers-Danlos syndrome, type 1; Ehlers-Danlos Syndrome, Classic Type, COL5A1-Related; EDS I. Identifiers: MedGen C0268335, MONDO:0019567, OMIM 130000.
Familial thoracic aortic aneurysm and aortic dissection (TAAD). Also called: Thoracic aortic aneurysms and dissections. Identifiers: Orphanet 91387, MedGen C4707243, MONDO:0019625.
Ehlers-Danlos syndrome (EDS). Identifiers: Orphanet 98249, MedGen C0013720, MONDO:0020066.

Allele frequency attached by ClinVar (database versions not stated): gnomAD exomes 0.00002 and 0.00008; TOPMed 0.00002; ExAC 0.00003; gnomAD 0.00003.
gnomAD v4.1: 118 of 1,614,110 alleles (0.0073%); highest among the groups gnomAD compares: Middle Eastern, 0.049%; no homozygotes.

Submissions (6):

Labcorp Genetics (formerly Invitae), Labcorp
Classification: Likely benign for Ehlers-Danlos syndrome, classic type, 1. Last evaluated: 2026-01-16. Review status: criteria provided, single submitter. Criteria: Invitae Variant Classification Sherloc (09022015). Collection method: clinical testing. Allele origin: germline.

CeGaT Center for Human Genetics Tuebingen
Classification: Likely benign. Last evaluated: 2025-03-01. Review status: criteria provided, single submitter. Criteria: CeGaT Center For Human Genetics Tuebingen Variant Classification Criteria Version 2. Collection method: clinical testing. Allele origin: germline. Affected: yes. Observed: 1 variant allele.
Comment: COL5A1: BP4

Blueprint Genetics
Classification: Likely benign. Last evaluated: 2024-06-24. Review status: criteria provided, single submitter. Criteria: ACMG Guidelines, 2015. Collection method: clinical testing. Allele origin: germline.

GeneDx
Classification: Uncertain significance. Last evaluated: 2023-08-02. Review status: criteria provided, single submitter. Criteria: GeneDx Variant Classification Process June 2021. Collection method: clinical testing. Allele origin: germline. Affected: yes.
Comment: Has not been previously published as pathogenic or benign to our knowledge; Not observed at significant frequency in large population cohorts (gnomAD); In silico analysis supports that this missense variant does not alter protein structure/function; Not located in the triple helical region, where the majority of pathogenic missense variants occur (Symoens et al., 2012; HGMD); This variant is associated with the following publications: (PMID: 27535533, 22696272)

Genome Diagnostics Laboratory, The Hospital for Sick Children
Classification: Uncertain significance for Ehlers-Danlos syndrome. Last evaluated: 2022-04-18. Review status: criteria provided, single submitter. Criteria: ACMG Guidelines, 2015. Collection method: clinical testing. Allele origin: germline.

Ambry Genetics
Classification: Uncertain significance for Familial thoracic aortic aneurysm and aortic dissection. Last evaluated: 2020-12-24. Review status: criteria provided, single submitter. Criteria: Ambry Variant Classification Scheme 2023. Collection method: clinical testing. Allele origin: germline.
Comment: The p.A397T variant (also known as c.1189G>A), located in coding exon 8 of the COL5A1 gene, results from a G to A substitution at nucleotide position 1189. The alanine at codon 397 is replaced by threonine, an amino acid with similar properties. This amino acid position is poorly conserved in available vertebrate species, and threonine is the reference amino acid in other vertebrate species. In addition, this alteration is predicted to be tolerated by in silico analysis. Since supporting evidence is limited at this time, the clinical significance of this alteration remains unclear.

NM_000093.5(COL5A1):c.1189G>A (p.Ala397Thr)

Gene: COL5A1 (collagen type V alpha 1 chain; plus strand). Cytogenetic location: 9q34.3.
Variant type: single nucleotide variant.
Coding change: c.1189G>A on transcript NM_000093.5 (MANE Select); coding-DNA position 1189, G replaced by A.
Protein change: p.Ala397Thr; replaces alanine 397 with threonine.
Molecular consequence: missense variant.
Genome position (GRCh38, 1-based): chr9:134,731,520, G>A. VCF-style: chr9-134731520-G-A. GRCh37 (hg19) VCF-style: chr9-137623366-G-A.
Other names: p.A397T:GCG>ACG; c.1189G>A, p.Ala397Thr (NM_001278074.1); short protein forms A397T.
Identifiers: ClinVar variation 213020 (VCV000213020.26), dbSNP rs762108965, ClinGen allele CA320553.